The following is an entry in ClinVar:

ClinVar aggregate classification (germline): Uncertain significance. Review status: criteria provided, multiple submitters, no conflicts (2 of 4 stars). 4 submissions from 4 submitters: Uncertain significance (4). Last evaluated 2025-08-07.

Conditions:
Inborn genetic diseases. Identifiers: MedGen C0950123, MeSH D030342.
Asphyxiating thoracic dystrophy 3. Also called: SHORT-RIB THORACIC DYSPLASIA 3 WITH OR WITHOUT POLYDACTYLY; POLYDACTYLY WITH NEONATAL CHONDRODYSTROPHY, TYPE I; SHORT-RIB THORACIC DYSPLASIA 3/6 WITH POLYDACTYLY, DIGENIC; Short rib polydactyly syndrome 2B; Saldino-Noonan Syndrome. Identifiers: Orphanet 474, Orphanet 93269, Orphanet 93270, Orphanet 93271, MedGen C0036069, MONDO:0013127, OMIM 613091.

Allele frequency attached by ClinVar (database versions not stated): gnomAD 0.00001; gnomAD exomes 0.00001 and 0.00003; TOPMed 0.00002; ExAC 0.00004.

Submissions (4):

Ambry Genetics
Classification: Uncertain significance for Inborn genetic diseases. Last evaluated: 2025-08-07. Review status: criteria provided, single submitter. Criteria: Ambry Variant Classification Scheme 2023. Collection method: clinical testing. Allele origin: germline.

ARUP Laboratories, Molecular Genetics and Genomics, ARUP Laboratories
Classification: Uncertain significance for Asphyxiating thoracic dystrophy 3. Last evaluated: 2025-04-09. Review status: criteria provided, single submitter. Criteria: ARUP Molecular Germline Variant Investigation Process 2024. Collection method: clinical testing. Allele origin: germline.
Comment: The DYNC2H1 c.5719A>G; p.Met1907Val variant (rs748735826), to our knowledge, is not reported in the medical literature but is reported in ClinVar (Variation ID: 1319029). This variant is found in the East Asian population with an allele frequency of 0.0286% (3/10494 alleles) in the Genome Aggregation Database (v2.1.1). Computational analyses are uncertain whether this variant is neutral or deleterious (REVEL: 0.536). While the high population frequency suggests that this is likely a benign variant, given the lack of clinical and functional data, the significance of this variant is uncertain at this time.

Blueprint Genetics
Classification: Uncertain significance. Last evaluated: 2023-01-18. Review status: criteria provided, single submitter. Criteria: ACMG Guidelines, 2015. Collection method: clinical testing. Allele origin: germline.

GeneDx
Classification: Uncertain significance. Last evaluated: 2019-04-04. Review status: criteria provided, single submitter. Criteria: GeneDx Variant Classification Process June 2021. Collection method: clinical testing. Allele origin: germline. Affected: yes.
Comment: In silico analysis, which includes protein predictors and evolutionary conservation, supports that this variant does not alter protein structure/function; Has not been previously published as pathogenic or benign to our knowledge

NM_001377.3(DYNC2H1):c.5719A>G (p.Met1907Val)

Gene: DYNC2H1 (dynein cytoplasmic 2 heavy chain 1; plus strand). Cytogenetic location: 11q22.3.
Variant type: single nucleotide variant.
Coding change: c.5719A>G on transcript NM_001377.3 (MANE Select); coding-DNA position 5719, A replaced by G.
Protein change: p.Met1907Val; replaces methionine 1907 with valine.
Molecular consequence: missense variant.
Genome position (GRCh38, 1-based): chr11:103,176,279, A>G. VCF-style: chr11-103176279-A-G. GRCh37 (hg19) VCF-style: chr11-103047008-A-G.
Other names: c.5719A>G, p.Met1907Val (NM_001080463.2); short protein forms M1907V.
Identifiers: ClinVar variation 1319029 (VCV001319029.5), dbSNP rs748735826, ClinGen allele CA6253824.